The following is an entry in ClinVar:

NC_000015.9:g.(?_93547827)_(93558159_?)dup

Gene: CHD2 (chromodomain helicase DNA binding protein 2; plus strand). Cytogenetic location: 15q26.1.
Variant type: Duplication.
Identifiers: ClinVar variation 2424060 (VCV002424060.6).

ClinVar aggregate classification (germline): Likely pathogenic (1 of 4 stars; one submission).

Conditions:
Developmental and epileptic encephalopathy 94 (DEE94). Also called: Epileptic encephalopathy, childhood-onset; CHD2-Related Neurodevelopmental Disorders. Identifiers: Orphanet 1942, Orphanet 2382, MedGen C3809278, MONDO:0014150, OMIM 615369.

Submission:

Labcorp Genetics (formerly Invitae), Labcorp
Classification: Likely pathogenic for Developmental and epileptic encephalopathy 94. Last evaluated: 2022-04-03. Review status: criteria provided, single submitter. Criteria: Invitae Variant Classification Sherloc (09022015). Collection method: clinical testing. Allele origin: germline.
Comment: In summary, the currently available evidence indicates that the variant is pathogenic, but additional data are needed to prove that conclusively. Therefore, this variant has been classified as Likely Pathogenic. This variant has not been reported in the literature in individuals affected with CHD2-related conditions. This variant results in a copy number gain of the genomic region encompassing exon(s) 34-37 of the CHD2 gene. While the exact position of this variant cannot be determined from the data, sub-genic copy number gains are generally in tandem (PMID: 25640679). This variant is predicted to be out-of-frame, and may result in an absent or disrupted protein product. Loss-of-function variants in CHD2 are known to be pathogenic (PMID: 23708187, 24207121).

Literature cited by the submitters: PubMed 25640679; PubMed 23708187; PubMed 24207121.